The following is an entry in ClinVar:

ClinVar aggregate classification (germline): Uncertain significance (1 of 4 stars; one submission).

Conditions:
Inborn genetic diseases. Identifiers: MedGen C0950123, MeSH D030342.

Submission:

Ambry Genetics
Classification: Uncertain significance for Inborn genetic diseases. Last evaluated: 2025-01-31. Review status: criteria provided, single submitter. Criteria: Ambry Variant Classification Scheme 2023. Collection method: clinical testing. Allele origin: germline.
Comment: The p.V149M variant (also known as c.445G>A), located in coding exon 4 of the ELANE gene, results from a G to A substitution at nucleotide position 445. The valine at codon 149 is replaced by methionine, an amino acid with highly similar properties. This amino acid position is conserved. In addition, this alteration is predicted to be tolerated by in silico analysis. Based on the available evidence, the clinical significance of this variant remains unclear.

NM_001972.4(ELANE):c.445G>A (p.Val149Met)

Gene: ELANE (elastase, neutrophil expressed; plus strand). Cytogenetic location: 19p13.3.
Variant type: single nucleotide variant.
Coding change: c.445G>A on transcript NM_001972.4 (MANE Select); coding-DNA position 445, G replaced by A.
Protein change: p.Val149Met; replaces valine 149 with methionine.
Molecular consequence: missense variant.
Genome position (GRCh38, 1-based): chr19:855,642, G>A. VCF-style: chr19-855642-G-A. GRCh37 (hg19) VCF-style: chr19-855642-G-A.
Other names: short protein forms V149M.
Identifiers: ClinVar variation 3844309 (VCV003844309.1).